The following is an entry in ClinVar:

NM_001122630.2(CDKN1C):c.421C>A (p.Pro141Thr)

Gene: CDKN1C (cyclin dependent kinase inhibitor 1C; minus strand). Cytogenetic location: 11p15.4.
Variant type: single nucleotide variant.
Coding change: c.421C>A on transcript NM_001122630.2 (MANE Select); coding-DNA position 421, C replaced by A.
Protein change: p.Pro141Thr; replaces proline 141 with threonine.
Molecular consequence: missense variant. On other transcripts: intron variant (1).
Genome position (GRCh38, 1-based): chr11:2,885,036, G>T on the plus strand (C>A on the coding strand, the complement: CDKN1C is on the minus strand). VCF-style: chr11-2885036-G-T. GRCh37 (hg19) VCF-style: chr11-2906266-G-T.
Other names: c.454C>A, p.Pro152Thr (NM_000076.2, NM_001362474.2); c.421C>A, p.Pro141Thr (NM_001122631.2); c.255+166C>A (NM_001362475.2); short protein forms P141T, P152T.
Identifiers: ClinVar variation 1518412 (VCV001518412.8), dbSNP rs1848953645, ClinGen allele CA379146668.

ClinVar aggregate classification (germline): Uncertain significance (1 of 4 stars; one submission).

Conditions:
Beckwith-Wiedemann syndrome (BWS). Also called: EMG SYNDROME; Exomphalos macroglossia gigantism syndrome. Identifiers: Orphanet 116, MedGen C0004903, MONDO:0007534, OMIM 130650.

Allele frequency attached by ClinVar (database versions not stated): gnomAD exomes below 0.00001.
gnomAD v4.1: 1 of 1,323,758 alleles (0.000076%); highest among the groups gnomAD compares: Non-Finnish European, 0.000096%; no homozygotes.

Submission:

Labcorp Genetics (formerly Invitae), Labcorp
Classification: Uncertain significance for Beckwith-Wiedemann syndrome. Last evaluated: 2021-04-11. Review status: criteria provided, single submitter. Criteria: Invitae Variant Classification Sherloc (09022015). Collection method: clinical testing. Allele origin: germline.
Comment: This sequence change replaces proline with threonine at codon 152 of the CDKN1C protein (p.Pro152Thr). The proline residue is weakly conserved and there is a small physicochemical difference between proline and threonine. In summary, the available evidence is currently insufficient to determine the role of this variant in disease. Therefore, it has been classified as a Variant of Uncertain Significance. Algorithms developed to predict the effect of missense changes on protein structure and function are either unavailable or do not agree on the potential impact of this missense change (SIFT: "Tolerated"; PolyPhen-2: "Not Available"; Align-GVGD: "Class C0"). This variant has not been reported in the literature in individuals with CDKN1C-related conditions. The frequency data for this variant in the population databases is considered unreliable, as metrics indicate insufficient coverage at this position in the ExAC database.